The following is an entry in ClinVar:

ClinVar aggregate classification (germline): Uncertain significance (1 of 4 stars; one submission).

Conditions:
Amyotrophic lateral sclerosis type 1 (ALS1). Also called: AMYOTROPHIC LATERAL SCLEROSIS 1, FAMILIAL. Identifiers: Orphanet 803, MedGen C1862939, MONDO:0007103, OMIM 105400.
Neuronopathy, distal hereditary motor, type 7B. Also called: HMN VIIB; LOWER MOTOR NEURON DISEASE, DYNACTIN TYPE; NEURONOPATHY, DISTAL HEREDITARY MOTOR, AUTOSOMAL DOMINANT 14; NEURONOPATHY, DISTAL HEREDITARY MOTOR, HARDING TYPE VIIB; NEUROPATHY, DISTAL HEREDITARY MOTOR, HARDING TYPE VIIB; NEUROPATHY, DISTAL HEREDITARY MOTOR, WITH VOCAL CORD PARALYSIS, HARDING TYPE VIIB. Identifiers: Orphanet 139589, MedGen C1843315, MONDO:0011879, OMIM 607641.
Perry syndrome. Also called: PARKINSONISM WITH ALVEOLAR HYPOVENTILATION AND MENTAL DEPRESSION. Identifiers: Orphanet 178509, MedGen C1868594, MONDO:0008201, OMIM 168605.

Submission:

Labcorp Genetics (formerly Invitae), Labcorp
Classification: Uncertain significance for Amyotrophic lateral sclerosis type 1; Neuronopathy, distal hereditary motor, type 7B; Perry syndrome. Last evaluated: 2023-12-10. Review status: criteria provided, single submitter. Criteria: Invitae Variant Classification Sherloc (09022015). Collection method: clinical testing. Allele origin: germline.
Comment: This sequence change replaces phenylalanine, which is neutral and non-polar, with serine, which is neutral and polar, at codon 871 of the DCTN1 protein (p.Phe871Ser). This variant is not present in population databases (gnomAD no frequency). This variant has not been reported in the literature in individuals affected with DCTN1-related conditions. Advanced modeling of protein sequence and biophysical properties (such as structural, functional, and spatial information, amino acid conservation, physicochemical variation, residue mobility, and thermodynamic stability) performed at Invitae indicates that this missense variant is not expected to disrupt DCTN1 protein function with a negative predictive value of 80%. In summary, the available evidence is currently insufficient to determine the role of this variant in disease. Therefore, it has been classified as a Variant of Uncertain Significance.

NM_004082.5(DCTN1):c.2612T>C (p.Phe871Ser)

Gene: DCTN1 (dynactin subunit 1; minus strand). Cytogenetic location: 2p13.1.
Variant type: single nucleotide variant.
Coding change: c.2612T>C on transcript NM_004082.5 (MANE Select); coding-DNA position 2612, T replaced by C.
Protein change: p.Phe871Ser; replaces phenylalanine 871 with serine.
Molecular consequence: missense variant. On other transcripts: non-coding transcript variant (1).
Genome position (GRCh38, 1-based): chr2:74,366,475, A>G on the plus strand (T>C on the coding strand, the complement: DCTN1 is on the minus strand). VCF-style: chr2-74366475-A-G. GRCh37 (hg19) VCF-style: chr2-74593602-A-G.
Other names: c.2210T>C, p.Phe737Ser (NM_001135041.3, NM_023019.4); c.2501T>C, p.Phe834Ser (NM_001190836.2); c.2591T>C, p.Phe864Ser (NM_001190837.2); c.2561T>C, p.Phe854Ser (NM_001378991.1); c.2543T>C, p.Phe848Ser (NM_001378992.1); c.2552T>C, p.Phe851Ser (NM_001135040.3); short protein forms F864S, F737S, F834S, F851S, F871S, F854S, F848S.
Identifiers: ClinVar variation 2935014 (VCV002935014.3), dbSNP rs2529113985, ClinGen allele CA347345957.